The following is an entry in ClinVar:

ClinVar aggregate classification (germline): Likely pathogenic. Review status: criteria provided, multiple submitters, no conflicts (2 of 4 stars). 3 submissions from 3 submitters: Likely pathogenic (2). 1 of the submissions does not count toward it. Last evaluated 2025-07-15.

Conditions:
Ornithine carbamoyltransferase deficiency (OTCD). Also called: ORNITHINE TRANSCARBAMYLASE DEFICIENCY, HYPERAMMONEMIA DUE TO; ORNITHINE TRANSCARBAMYLASE DEFICIENCY; OTC DEFICIENCY; Ornithine Carbamoyltransferase Deficiency Disease. Identifiers: Orphanet 664, MedGen C0268542, MONDO:0010703, OMIM 311250.

Submissions (3):

Women's Health and Genetics/Laboratory Corporation of America, LabCorp
Classification: Likely pathogenic for Ornithine carbamoyltransferase deficiency. Last evaluated: 2025-07-15. Review status: criteria provided, single submitter. Criteria: LabCorp Variant Classification Summary - May 2015. Collection method: clinical testing. Allele origin: germline.
Comment: Variant summary: OTC c.562G>C (p.Gly188Arg) results in a non-conservative amino acid change in the encoded protein sequence. Algorithms developed to predict the effect of missense changes on protein structure and function all suggest that this variant is likely to be disruptive. The variant was absent in 183119 control chromosomes. c.562G>C has been observed in individuals affected with Ornithine Transcarbamylase Deficiency (Gobin-Limballe_2021, Gilbert-Dussardier_1006, Lu_2020). These data indicate that the variant is likely to be associated with disease. At least one publication reports experimental evidence that this variant is deleterious in a yeast growth assay (Lo_2023). The following publications have been ascertained in the context of this evaluation (PMID: 8807340, 34014569, 37146589, 33272297). ClinVar contains an entry for this variant (Variation ID: 97248). Based on the evidence outlined above, the variant was classified as likely pathogenic.

Natera, Inc.
Classification: Likely pathogenic for Ornithine transcarbamylase deficiency. Last evaluated: 2024-09-05. Review status: criteria provided, single submitter. Criteria: Natera Variant Classification Schema (03/2026). Collection method: clinical testing. Allele origin: germline.
Comment: The c.562G>C variant in OTC is a missense variant predicted to cause substitution of glycine to arginine at amino acid 188. This variant is rare in the general population with a frequency below the threshold expected for the associated phenotype(s). This variant has been observed in affected individual(s) with monoallelic occurrence (heterozygous/hemizygous) (PMID: 8807340, 34014569, 33272297). A different variant at the same position has been determined to be Pathogenic or Likely Pathogenic. Computational prediction algorithms indicate this variant is likely to affect gene or protein function. Given the available evidence, this variant is classified as Likely Pathogenic.

GenMed Metabolism Lab
Classification: Pathogenic. Review status: no assertion criteria provided. Collection method: not provided. Allele origin: unknown. Not counted in ClinVar's aggregate classification.
Comment: p.Gly188Arg, Neonatal
ClinVar note: Converted during submission from pathogenic to Pathogenic.

Literature cited by the submitters: PubMed 8807340 (cited by Women's Health and Genetics/Laboratory Corporation of America, LabCorp and Natera, Inc.); PubMed 34014569 (cited by Women's Health and Genetics/Laboratory Corporation of America, LabCorp and Natera, Inc.); PubMed 37146589 (cited by Women's Health and Genetics/Laboratory Corporation of America, LabCorp); PubMed 33272297 (cited by Women's Health and Genetics/Laboratory Corporation of America, LabCorp and Natera, Inc.).

NM_000531.6(OTC):c.562G>C (p.Gly188Arg)

Gene: OTC (ornithine transcarbamylase; plus strand). Cytogenetic location: Xp11.4.
Variant type: single nucleotide variant.
Coding change: c.562G>C on transcript NM_000531.6 (MANE Select); coding-DNA position 562, G replaced by C.
Protein change: p.Gly188Arg; replaces glycine 188 with arginine.
Molecular consequence: missense variant.
Genome position (GRCh38, 1-based): chrX:38,403,639, G>C. VCF-style: chrX-38403639-G-C. GRCh37 (hg19) VCF-style: chrX-38262892-G-C.
Other names: short protein forms G188R.
Identifiers: ClinVar variation 97248 (VCV000097248.4), dbSNP rs72556294, ClinGen allele CA224680.